The following is an entry in ClinVar:

NM_000539.3(RHO):c.401A>G (p.Glu134Gly)

Gene: RHO (rhodopsin; plus strand). Cytogenetic location: 3q22.1.
Variant type: single nucleotide variant.
Coding change: c.401A>G on transcript NM_000539.3 (MANE Select); coding-DNA position 401, A replaced by G.
Protein change: p.Glu134Gly; replaces glutamic acid 134 with glycine.
Molecular consequence: missense variant.
Genome position (GRCh38, 1-based): chr3:129,530,915, A>G. VCF-style: chr3-129530915-A-G. GRCh37 (hg19) VCF-style: chr3-129249758-A-G.
Other names: short protein forms E134G.
Identifiers: ClinVar variation 3360519 (VCV003360519.1).
Genomic context (GRCh38, chr3:129,530,915, plus strand): 5'-CGCCTGCTGACTGCCTTGCAGGTGAAATTGCCCTGTGGTCCTTGGTGGTCCTGGCCATCG[A>G]GCGGTACGTGGTGGTGTGTAAGCCCATGAGCAACTTCCGCTTCGGGGAGAACCATGCCAT-3'
Protein context (NP_000530.1, residues 124-144): ALWSLVVLAI[Glu134Gly]RYVVVCKPMS

ClinVar aggregate classification (germline): Uncertain significance (1 of 4 stars; one submission).

Submission:

GeneDx
Classification: Uncertain significance. Last evaluated: 2023-06-28. Review status: criteria provided, single submitter. Criteria: GeneDx Variant Classification Process June 2021. Collection method: clinical testing. Allele origin: germline. Affected: yes.
Comment: Not observed at significant frequency in large population cohorts (gnomAD); In silico analysis supports that this missense variant has a deleterious effect on protein structure/function; Has not been previously published as pathogenic or benign to our knowledge